The following is an entry in ClinVar:

NM_001363.5(DKC1):c.629A>G (p.Glu210Gly)

Gene: DKC1 (dyskerin pseudouridine synthase 1; plus strand). Cytogenetic location: Xq28.
Variant type: single nucleotide variant.
Coding change: c.629A>G on transcript NM_001363.5 (MANE Select); coding-DNA position 629, A replaced by G.
Protein change: p.Glu210Gly; replaces glutamic acid 210 with glycine.
Molecular consequence: missense variant. On other transcripts: non-coding transcript variant (3).
Genome position (GRCh38, 1-based): chrX:154,767,371, A>G. VCF-style: chrX-154767371-A-G. GRCh37 (hg19) VCF-style: chrX-153995646-A-G.
Other names: c.629A>G, p.Glu210Gly (NM_001142463.3, NM_001288747.2); short protein forms E210G.
Identifiers: ClinVar variation 947567 (VCV000947567.9), dbSNP rs2071759206, ClinGen allele CA414890365.

ClinVar aggregate classification (germline): Uncertain significance (1 of 4 stars; one submission).

Conditions:
Dyskeratosis congenita. Identifiers: Orphanet 1775, MedGen C0265965, MONDO:0015780.

Submission:

Labcorp Genetics (formerly Invitae), Labcorp
Classification: Uncertain significance for Dyskeratosis congenita. Last evaluated: 2019-06-24. Review status: criteria provided, single submitter. Criteria: Invitae Variant Classification Sherloc (09022015). Collection method: clinical testing. Allele origin: germline.
Comment: In summary, the available evidence is currently insufficient to determine the role of this variant in disease. Therefore, it has been classified as a Variant of Uncertain Significance. Algorithms developed to predict the effect of missense changes on protein structure and function (SIFT, PolyPhen-2, Align-GVGD) all suggest that this variant is likely to be tolerated, but these predictions have not been confirmed by published functional studies and their clinical significance is uncertain. This variant has not been reported in the literature in individuals with DKC1-related conditions. This variant is not present in population databases (ExAC no frequency). This sequence change replaces glutamic acid with glycine at codon 210 of the DKC1 protein (p.Glu210Gly). The glutamic acid residue is moderately conserved and there is a moderate physicochemical difference between glutamic acid and glycine.